The following is an entry in ClinVar:

NM_198253.3(TERT):c.2263G>A (p.Val755Ile)

Gene: TERT (telomerase reverse transcriptase; minus strand). Cytogenetic location: 5p15.33.
Variant type: single nucleotide variant.
Coding change: c.2263G>A on transcript NM_198253.3 (MANE Select); coding-DNA position 2263, G replaced by A.
Protein change: p.Val755Ile; replaces valine 755 with isoleucine.
Molecular consequence: missense variant. On other transcripts: non-coding transcript variant (2).
Genome position (GRCh38, 1-based): chr5:1,278,664, C>T on the plus strand (G>A on the coding strand, the complement: TERT is on the minus strand). VCF-style: chr5-1278664-C-T. GRCh37 (hg19) VCF-style: chr5-1278779-C-T.
Other names: c.2263G>A, p.Val755Ile (NM_001193376.3); short protein forms V755I.
Identifiers: ClinVar variation 567770 (VCV000567770.21), dbSNP rs576633619, ClinGen allele CA3184615.

ClinVar aggregate classification (germline): Conflicting classifications of pathogenicity. Review status: criteria provided, conflicting classifications (1 of 4 stars). 9 submissions from 7 submitters: Uncertain significance (7); Benign (1); Likely benign (1). Last evaluated 2025-12-11.

Conditions:
Dyskeratosis congenita. Identifiers: Orphanet 1775, MedGen C0265965, MONDO:0015780.
Aplastic anemia. Identifiers: Orphanet 182040, Orphanet 88, MedGen C0002874, MONDO:0015909, OMIM 609135, HP:0001915.
Dyskeratosis congenita, autosomal dominant 2. Identifiers: MedGen C3151443, MONDO:0013521, OMIM 613989.
Idiopathic Pulmonary Fibrosis. Also called: Idiopathic fibrosing alveolitis, chronic form; idiopathic fibrosing alveolitis. Identifiers: Orphanet 2032, MedGen C1800706, MeSH D054990, MONDO:0800504.
Acute myeloid leukemia (AML). Also called: Leukemia, acute myeloid, somatic; Leukemia, acute myelogenous, somatic; Acute myeloid leukemia, adult; AML adult; Acute non-lymphocytic leukemia; Acute granulocytic leukemia. Identifiers: Orphanet 519, MedGen C0023467, MeSH D015470, MONDO:0018874, OMIM 601626, HP:0004808. Disease mechanism: Constitutively activated FLT3.
Pulmonary fibrosis and/or bone marrow failure, Telomere-related, 1. Also called: PULMONARY FIBROSIS AND/OR BONE MARROW FAILURE SYNDROME, TELOMERE-RELATED, 1. Identifiers: Orphanet 88, MedGen C3553617, MONDO:0013878, OMIM 614742.
Melanoma, cutaneous malignant, susceptibility to, 9. Also called: Cutaneous malignant melanoma 9. Identifiers: Orphanet 618, MedGen C3554574, MONDO:0014056, OMIM 615134.

Allele frequency attached by ClinVar (database versions not stated): gnomAD exomes 0.00003 and 0.00006; TOPMed 0.00003; gnomAD 0.00004; ExAC 0.00006; 1000 Genomes Project 30x 0.00016; 1000 Genomes Project 0.00020.
gnomAD v4.1: 51 of 1,614,164 alleles (0.0032%); highest among the groups gnomAD compares: South Asian, 0.032%; 1 homozygote.

Submissions (9):

Labcorp Genetics (formerly Invitae), Labcorp
Classification: Likely benign for Dyskeratosis congenita, autosomal dominant 2; Idiopathic Pulmonary Fibrosis. Last evaluated: 2025-12-11. Review status: criteria provided, single submitter. Criteria: Invitae Variant Classification Sherloc (09022015). Collection method: clinical testing. Allele origin: germline.

Ambry Genetics
Classification: Uncertain significance for Dyskeratosis congenita. Last evaluated: 2025-11-12. Review status: criteria provided, single submitter. Criteria: Ambry Variant Classification Scheme 2023. Collection method: clinical testing. Allele origin: germline.
Comment: The p.V755I variant (also known as c.2263G>A), located in coding exon 6 of the TERT gene, results from a G to A substitution at nucleotide position 2263. The valine at codon 755 is replaced by isoleucine, an amino acid with highly similar properties. This amino acid position is poorly conserved in available vertebrate species. In addition, this alteration is predicted to be tolerated by in silico analysis. Based on the available evidence, the clinical significance of this variant remains unclear.

GeneDx
Classification: Uncertain significance. Last evaluated: 2024-04-08. Review status: criteria provided, single submitter. Criteria: GeneDx Variant Classification Process June 2021. Collection method: clinical testing. Allele origin: germline. Affected: yes.
Comment: In silico analysis indicates that this missense variant does not alter protein structure/function; Has not been previously published as pathogenic or benign to our knowledge

Fulgent Genetics
Classification: Uncertain significance for Acute myeloid leukemia; Dyskeratosis congenita, autosomal dominant 2; Pulmonary fibrosis and/or bone marrow failure, Telomere-related, 1; Melanoma, cutaneous malignant, susceptibility to, 9. Last evaluated: 2024-02-19. Review status: criteria provided, single submitter. Criteria: ACMG Guidelines, 2015. Collection method: clinical testing. Allele origin: germline.

St. Jude Molecular Pathology, St. Jude Children's Research Hospital
Classification: Uncertain significance for Dyskeratosis congenita, autosomal dominant 2. Last evaluated: 2023-06-22. Review status: criteria provided, single submitter. Criteria: St. Jude Assertion Criteria 2020. Collection method: clinical testing. Allele origin: germline.
Comment: The TERT c.2263G>A (p.Val755Ile) missense change has a maximum subpopulation frequency of 0.039% in gnomAD v2.1.1. The in silico tool REVEL predicts a benign effect on protein function, but to our knowledge this prediction has not been confirmed by functional studies. This variant occurs in a gene where missense variants are more likely to be damaging based on methods described by Lek et al. (PMID: 27535533). To our knowledge, this variant has not been reported in individuals with clinical features of dyskeratosis congenita. In summary, the evidence currently available is insufficient to determine the clinical significance of this variant. It has therefore been classified as of uncertain significance.

Genetic Services Laboratory, University of Chicago
Classification: Uncertain significance. Last evaluated: 2018-04-16. Review status: criteria provided, single submitter. Criteria: ACMG Guidelines, 2015. Collection method: clinical testing. Allele origin: germline. Affected: no.

Illumina Laboratory Services, Illumina
Classification: Uncertain significance for Aplastic anemia. Last evaluated: 2018-01-13. Review status: criteria provided, single submitter. Criteria: ICSL Variant Classification Criteria 13 December 2019. Collection method: clinical testing. Allele origin: germline.

Illumina Laboratory Services, Illumina
Classification: Benign for Pulmonary fibrosis and/or bone marrow failure, Telomere-related, 1. Last evaluated: 2018-01-13. Review status: criteria provided, single submitter. Criteria: ICSL Variant Classification Criteria 13 December 2019. Collection method: clinical testing. Allele origin: germline.
Comment: This variant was observed in the ICSL laboratory as part of a predisposition screen in an ostensibly healthy population. It had not been previously curated by ICSL or reported in the Human Gene Mutation Database (HGMD: prior to June 1st, 2018), and was therefore a candidate for classification through an automated scoring system. Utilizing variant allele frequency, disease prevalence and penetrance estimates, and inheritance mode, an automated score was calculated to assess if this variant is too frequent to cause the disease. Based on the score and internal cut-off values, a variant classified as benign is not then subjected to further curation. The score for this variant resulted in a classification of benign for this disease.

Illumina Laboratory Services, Illumina
Classification: Uncertain significance for Dyskeratosis congenita, autosomal dominant 2. Last evaluated: 2018-01-13. Review status: criteria provided, single submitter. Criteria: ICSL Variant Classification Criteria 13 December 2019. Collection method: clinical testing. Allele origin: germline.